The following is an entry in ClinVar:

NM_000388.4(CASR):c.512G>C (p.Ser171Thr)

Gene: CASR (calcium sensing receptor; plus strand). Cytogenetic location: 3q21.1.
Variant type: single nucleotide variant.
Coding change: c.512G>C on transcript NM_000388.4 (MANE Select); coding-DNA position 512, G replaced by C.
Protein change: p.Ser171Thr; replaces serine 171 with threonine.
Molecular consequence: missense variant.
Genome position (GRCh38, 1-based): chr3:122,261,547, G>C. VCF-style: chr3-122261547-G-C. GRCh37 (hg19) VCF-style: chr3-121980394-G-C.
Other names: c.512G>C, p.Ser171Thr (NM_001178065.2); short protein forms S171T.
Identifiers: ClinVar variation 532593 (VCV000532593.11), dbSNP rs1220477298, ClinGen allele CA354150746.

ClinVar aggregate classification (germline): Uncertain significance. Review status: criteria provided, multiple submitters, no conflicts (2 of 4 stars). 2 submissions from 2 submitters: Uncertain significance (2). Last evaluated 2023-10-13.

Conditions:
Familial hypocalciuric hypercalcemia (FHH). Also called: Familial benign hypercalcemia. Identifiers: Orphanet 405, MedGen C1809471, MONDO:0018458.
Autosomal dominant hypocalcemia 1 (HYPOC1). Also called: HYPOCALCEMIA, FAMILIAL. Identifiers: MedGen C3715128, MONDO:0011013, OMIM 601198.
Nephrolithiasis/nephrocalcinosis. Identifiers: MedGen CN580796.

Allele frequency attached by ClinVar (database versions not stated): gnomAD 0.00001.
gnomAD v4.1: 1 of 1,614,016 alleles (0.000062%); highest among the groups gnomAD compares: Non-Finnish European, 0.000085%; no homozygotes.

Submissions (2):

Labcorp Genetics (formerly Invitae), Labcorp
Classification: Uncertain significance for Familial hypocalciuric hypercalcemia; Autosomal dominant hypocalcemia 1. Last evaluated: 2023-10-13. Review status: criteria provided, single submitter. Criteria: Invitae Variant Classification Sherloc (09022015). Collection method: clinical testing. Allele origin: germline.
Comment: This sequence change replaces serine, which is neutral and polar, with threonine, which is neutral and polar, at codon 171 of the CASR protein (p.Ser171Thr). This variant is present in population databases (no rsID available, gnomAD 0.007%). This variant has not been reported in the literature in individuals affected with CASR-related conditions. ClinVar contains an entry for this variant (Variation ID: 532593). An algorithm developed to predict the effect of missense changes on protein structure and function (PolyPhen-2) suggests that this variant is likely to be disruptive. In summary, the available evidence is currently insufficient to determine the role of this variant in disease. Therefore, it has been classified as a Variant of Uncertain Significance.

Ambry Genetics
Classification: Uncertain significance for Nephrolithiasis/nephrocalcinosis. Last evaluated: 2023-06-27. Review status: criteria provided, single submitter. Criteria: Ambry Variant Classification Scheme 2023. Collection method: clinical testing. Allele origin: germline.
Comment: The p.S171T variant (also known as c.512G>C), located in coding exon 3 of the CASR gene, results from a G to C substitution at nucleotide position 512. The serine at codon 171 is replaced by threonine, an amino acid with similar properties. This amino acid position is conserved. In addition, this alteration is predicted to be deleterious by in silico analysis. Since supporting evidence is limited at this time, the clinical significance of this alteration remains unclear.